The following is an entry in ClinVar:

NM_000052.7(ATP7A):c.611-1G>C

Gene: ATP7A (ATPase copper transporting alpha; plus strand). Cytogenetic location: Xq21.1.
Variant type: single nucleotide variant.
Coding change: c.611-1G>C on transcript NM_000052.7 (MANE Select); the canonical splice acceptor site of the intron before coding-DNA position 611, G replaced by C.
Molecular consequence: splice acceptor variant.
Genome position (GRCh38, 1-based): chrX:77,989,232, G>C. VCF-style: chrX-77989232-G-C. GRCh37 (hg19) VCF-style: chrX-77244728-G-C.
Other names: c.611-1G>C (NM_001282224.2).
Identifiers: ClinVar variation 2501156 (VCV002501156.3), dbSNP rs2522292394, ClinGen allele CA413600410.
Genomic context (GRCh38, chrX:77,989,232, plus strand): 5'-GAATGTTTTCTGAAGTAGCCCAGGAATAACTGAATTAATTATATTTCTTTTTATTAACTA[G>C]TCTCCCTGGACAATCAAGAAGCTACTATTGTTTATCAACCTCATCTTATCTCAGTAGAGG-3'

ClinVar aggregate classification (germline): Likely pathogenic (1 of 4 stars; one submission).

Conditions:
Menkes kinky-hair syndrome (MNK). Also called: Classic Menkes Disease; Copper transport disease; Menkes Disease. Identifiers: Orphanet 565, MedGen C0022716, MONDO:0010651, OMIM 309400.

Submission:

Women's Health and Genetics/Laboratory Corporation of America, LabCorp
Classification: Likely pathogenic for Menkes kinky-hair syndrome. Last evaluated: 2024-02-23. Review status: criteria provided, single submitter. Criteria: LabCorp Variant Classification Summary - May 2015. Collection method: clinical testing. Allele origin: germline.
Comment: Variant summary: ATP7A c.611-1G>C is located in a canonical splice-site and is predicted to affect mRNA splicing resulting in a significantly altered protein due to either exon skipping, shortening, or inclusion of intronic material. Several computational tools predict a significant impact on normal splicing: Four predict the variant abolishes the canonical 3' acceptor site. However, these predictions have yet to be confirmed by functional studies. The variant was absent in 176057 control chromosomes (gnomAD). To our knowledge, no occurrence of c.611-1G>C in individuals affected with Menkes Kinky-Hair Syndrome and no experimental evidence demonstrating its impact on protein function have been reported. No other clinical diagnostic laboratories have submitted clinical-significance assessments for this variant to ClinVar. Based on the evidence outlined above, the variant was classified as likely pathogenic.